The following is an entry in ClinVar:

NM_003742.4(ABCB11):c.1442T>A (p.Val481Glu)

Gene: ABCB11 (ATP binding cassette subfamily B member 11; minus strand). Cytogenetic location: 2q31.1.
Variant type: single nucleotide variant.
Coding change: c.1442T>A on transcript NM_003742.4 (MANE Select); coding-DNA position 1442, T replaced by A.
Protein change: p.Val481Glu; replaces valine 481 with glutamic acid.
Molecular consequence: missense variant.
Genome position (GRCh38, 1-based): chr2:168,972,043, A>T on the plus strand (T>A on the coding strand, the complement: ABCB11 is on the minus strand). VCF-style: chr2-168972043-A-T. GRCh37 (hg19) VCF-style: chr2-169828553-A-T.
Other names: short protein forms V481E.
Identifiers: ClinVar variation 1014336 (VCV001014336.9), dbSNP rs1693604030, ClinGen allele CA349116170.

ClinVar aggregate classification (germline): Conflicting classifications of pathogenicity. Review status: criteria provided, conflicting classifications (1 of 4 stars). 2 submissions from 2 submitters: Likely pathogenic (1); Uncertain significance (1). Last evaluated 2026-04-14.

Conditions:
Familial intrahepatic cholestasis. Identifiers: Orphanet 284385, MedGen CN296401, MONDO:0017290.

Submissions (2):

Genomenon, Inc
Classification: Uncertain significance for Familial intrahepatic cholestasis. Last evaluated: 2026-04-14. Review status: criteria provided, single submitter. Criteria: Genomenon Sequence Variant Interpretation Standards - Updated. Collection method: curation. Allele origin: germline. Affected: yes.
Comment: ABCB11 p.Val481Glu (c.1442T>A) is a missense variant that changes the amino acid at residue 481 from Valine to Glutamic acid. This variant has been observed in at least one proband with an ABCB11-related disorder (PMID:34016879;18395098). The variant was found to segregate with disease in at least one affected family (PMID:18395098). At least one splicing study demonstrated no effect on splicing (PMID:19101985). It is absent or not present at a significant frequency in gnomAD. In silico models predict that this variant is possibly or probably damaging. In conclusion, we classify ABCB11 p.Val481Glu (c.1442T>A) as a variant of uncertain significance.

Labcorp Genetics (formerly Invitae), Labcorp
Classification: Likely pathogenic. Last evaluated: 2026-01-29. Review status: criteria provided, single submitter. Criteria: Invitae Variant Classification Sherloc (09022015). Collection method: clinical testing. Allele origin: germline.
Comment: This sequence change replaces valine, which is neutral and non-polar, with glutamic acid, which is acidic and polar, at codon 481 of the ABCB11 protein (p.Val481Glu). This variant is not present in population databases (gnomAD no frequency). This missense change has been observed in individuals with clinical features of ABCB11-related conditions (PMID: 18395098, 34016879; internal data). ClinVar contains an entry for this variant (Variation ID: 1014336). Invitae Evidence Modeling of protein sequence and biophysical properties (such as structural, functional, and spatial information, amino acid conservation, physicochemical variation, residue mobility, and thermodynamic stability) indicates that this missense variant is expected to disrupt ABCB11 protein function with a positive predictive value of 80%. In summary, the currently available evidence indicates that the variant is pathogenic, but additional data are needed to prove that conclusively. Therefore, this variant has been classified as Likely Pathogenic.

Literature cited by the submitters: PubMed 34016879 (cited by Genomenon, Inc and Labcorp Genetics (formerly Invitae), Labcorp); PubMed 18395098 (cited by Genomenon, Inc and Labcorp Genetics (formerly Invitae), Labcorp); PubMed 19101985 (cited by Genomenon, Inc).